The following is an entry in ClinVar:

ClinVar aggregate classification (germline): Uncertain significance. Review status: criteria provided, multiple submitters, no conflicts (2 of 4 stars). 2 submissions from 2 submitters: Uncertain significance (2). Last evaluated 2024-05-02.

Conditions:
Inborn genetic diseases. Identifiers: MedGen C0950123, MeSH D030342.

Allele frequency attached by ClinVar (database versions not stated): ESP Exome Variant Server 0.00046; TOPMed 0.00051; gnomAD 0.00058; ExAC 0.00065; gnomAD exomes 0.00111.
gnomAD v4.1: 1,680 of 1,613,832 alleles (0.1%); highest among the groups gnomAD compares: Non-Finnish European, 0.13%; 1 homozygote.

Submissions (2):

Ambry Genetics
Classification: Uncertain significance for Inborn genetic diseases. Last evaluated: 2024-05-02. Review status: criteria provided, single submitter. Criteria: Ambry Variant Classification Scheme 2023. Collection method: clinical testing. Allele origin: germline.

Labcorp Genetics (formerly Invitae), Labcorp
Classification: Uncertain significance. Last evaluated: 2022-08-16. Review status: criteria provided, single submitter. Criteria: Invitae Variant Classification Sherloc (09022015). Collection method: clinical testing. Allele origin: germline.
Comment: This sequence change replaces serine, which is neutral and polar, with phenylalanine, which is neutral and non-polar, at codon 236 of the ADSSL1 protein (p.Ser236Phe). This variant is present in population databases (rs144784529, gnomAD 0.1%), and has an allele count higher than expected for a pathogenic variant. This variant has not been reported in the literature in individuals affected with ADSSL1-related conditions. Algorithms developed to predict the effect of missense changes on protein structure and function are either unavailable or do not agree on the potential impact of this missense change (SIFT: "Not Available"; PolyPhen-2: "Probably Damaging"; Align-GVGD: "Not Available"). In summary, the available evidence is currently insufficient to determine the role of this variant in disease. Therefore, it has been classified as a Variant of Uncertain Significance.

NM_152328.5(ADSS1):c.578C>T (p.Ser193Phe)

Gene: ADSS1 (adenylosuccinate synthase 1; plus strand). Cytogenetic location: 14q32.33.
Variant type: single nucleotide variant.
Coding change: c.578C>T on transcript NM_152328.5 (MANE Select); coding-DNA position 578, C replaced by T.
Protein change: p.Ser193Phe; replaces serine 193 with phenylalanine.
Molecular consequence: missense variant. On other transcripts: 5 prime UTR variant (1).
Genome position (GRCh38, 1-based): chr14:104,740,702, C>T. VCF-style: chr14-104740702-C-T. GRCh37 (hg19) VCF-style: chr14-105207039-C-T.
Other names: c.-38C>T (NM_001320424.1); c.707C>T, p.Ser236Phe (NM_199165.2); c.707C>T (NM_199165.1); short protein forms S236F, S193F.
Identifiers: ClinVar variation 2070421 (VCV002070421.3), dbSNP rs144784529, ClinGen allele CA7373743.